The following is an entry in ClinVar:

NM_000138.5(FBN1):c.8147dup (p.Tyr2716Ter)

Gene: FBN1 (fibrillin 1; minus strand). Cytogenetic location: 15q21.1.
Variant type: Duplication.
Coding change: c.8147dup on transcript NM_000138.5 (MANE Select); coding-DNA position 8147, one base duplicated (A; older notation c.8147dupA).
Protein change: p.Tyr2716Ter; replaces tyrosine 2716 with a stop codon.
Molecular consequence: nonsense.
Genome position (GRCh38, 1-based): chr15:48,412,648, T duplicated on the plus strand (A on the coding strand, the reverse complement: FBN1 is on the minus strand). VCF-style (leftmost placement, unchanged base first): chr15-48412647-G-GT. GRCh37 (hg19) VCF-style: chr15-48704844-G-GT.
Other names: short protein forms Y2716*.
Identifiers: ClinVar variation 549454 (VCV000549454.4), dbSNP rs1555393657, ClinGen allele CA658824380.

ClinVar aggregate classification (germline): Pathogenic. Review status: criteria provided, single submitter (1 of 4 stars). 2 submissions from 2 submitters: Pathogenic (1). 1 of the submissions does not count toward it. Last evaluated 2024-01-31.

Conditions:
Familial thoracic aortic aneurysm and aortic dissection (TAAD). Also called: Thoracic aortic aneurysms and dissections. Identifiers: Orphanet 91387, MedGen C4707243, MONDO:0019625.
Marfan syndrome (MFS). Also called: Marfan syndrome type 1; Marfan syndrome, classic; Marfan's syndrome; FBN1-Related Marfan Syndrome; MARFAN SYNDROME, TYPE I. Identifiers: Orphanet 284963, Orphanet 558, MedGen C0024796, MONDO:0007947, OMIM 154700.

Submissions (2):

Labcorp Genetics (formerly Invitae), Labcorp
Classification: Pathogenic for Marfan syndrome; Familial thoracic aortic aneurysm and aortic dissection. Last evaluated: 2024-01-31. Review status: criteria provided, single submitter. Criteria: Invitae Variant Classification Sherloc (09022015). Collection method: clinical testing. Allele origin: germline.
Comment: This sequence change creates a premature translational stop signal (p.Tyr2716*) in the FBN1 gene. It is expected to result in an absent or disrupted protein product. Loss-of-function variants in FBN1 are known to be pathogenic (PMID: 17657824, 19293843). This variant is not present in population databases (gnomAD no frequency). This premature translational stop signal has been observed in individuals with Marfan's syndrome (PMID: 25907466, 28855619, 31730815). ClinVar contains an entry for this variant (Variation ID: 549454). For these reasons, this variant has been classified as Pathogenic.

Center for Medical Genetics Ghent, University of Ghent
Classification: Likely pathogenic for Marfan syndrome. Last evaluated: 2017-11-07. Review status: no assertion criteria provided. Collection method: clinical testing. Allele origin: germline. Affected: yes. Not counted in ClinVar's aggregate classification.

Literature cited by the submitters: PubMed 17657824 (cited by Labcorp Genetics (formerly Invitae), Labcorp); PubMed 19293843 (cited by Labcorp Genetics (formerly Invitae), Labcorp); PubMed 25907466 (cited by Labcorp Genetics (formerly Invitae), Labcorp); PubMed 28855619 (cited by Labcorp Genetics (formerly Invitae), Labcorp); PubMed 31730815 (cited by Labcorp Genetics (formerly Invitae), Labcorp).